The following is an entry in ClinVar:

ClinVar aggregate classification (germline): Conflicting classifications of pathogenicity. Review status: criteria provided, conflicting classifications (1 of 4 stars). 3 submissions from 3 submitters: Likely pathogenic (1); Uncertain significance (2). Last evaluated 2026-05-20.

Conditions:
Familial thoracic aortic aneurysm and aortic dissection (TAAD). Also called: Thoracic aortic aneurysms and dissections. Identifiers: Orphanet 91387, MedGen C4707243, MONDO:0019625.
Ehlers-Danlos syndrome, classic type, 1 (EDSCL1). Also called: Ehlers-Danlos syndrome, type 1; EHLERS-DANLOS SYNDROME, GRAVIS TYPE; EHLERS-DANLOS SYNDROME, SEVERE CLASSIC TYPE; Ehlers-Danlos Syndrome, Classic Type, COL5A1-Related; EDS I. Identifiers: MedGen C0268335, MONDO:0019567, OMIM 130000.

Allele frequency attached by ClinVar (database versions not stated): gnomAD 0.00001; TOPMed 0.00001.
gnomAD v4.1: 39 of 1,549,440 alleles (0.0025%); highest among the groups gnomAD compares: Middle Eastern, 0.019%; no homozygotes.

Submissions (3):

GeneDx
Classification: Likely pathogenic. Last evaluated: 2026-05-20. Review status: criteria provided, single submitter. Criteria: GeneDx Variant Classification Process June 2021. Collection method: clinical testing. Allele origin: germline.
Comment: Observed heterozygous in an individual undergoing preconception carrier screening, but additional clinical information was not included (PMID: 31589614); Not observed at significant frequency in large population cohorts (gnomAD); In silico analysis supports that this missense variant has a deleterious effect on protein structure/function; This variant is associated with the following publications: (PMID: 22696272, 31589614)

Labcorp Genetics (formerly Invitae), Labcorp
Classification: Uncertain significance for Ehlers-Danlos syndrome, classic type, 1. Last evaluated: 2025-02-09. Review status: criteria provided, single submitter. Criteria: Invitae Variant Classification Sherloc (09022015). Collection method: clinical testing. Allele origin: germline.
Comment: This sequence change replaces glycine, which is neutral and non-polar, with alanine, which is neutral and non-polar, at codon 1114 of the COL5A1 protein (p.Gly1114Ala). This variant is not present in population databases (gnomAD no frequency). This variant has not been reported in the literature in individuals affected with COL5A1-related conditions. ClinVar contains an entry for this variant (Variation ID: 426186). Invitae Evidence Modeling of protein sequence and biophysical properties (such as structural, functional, and spatial information, amino acid conservation, physicochemical variation, residue mobility, and thermodynamic stability) indicates that this missense variant is expected to disrupt COL5A1 protein function with a positive predictive value of 95%. This variant disrupts the triple helix domain of COL5A1. Glycine residues within the Gly-Xaa-Yaa repeats of the triple helix domain are required for the structure and stability of fibrillar collagens (PMID: 7695699, 8218237, 19344236), and variants at these glycine residues in COL5A1 are more frequently observed in individuals with disease than in the general population (PMID: 22696272, 23587214). However, the clinical significance of this observation remains uncertain since only a limited number of affected individuals have been described to date. In summary, the available evidence is currently insufficient to determine the role of this variant in disease. Therefore, it has been classified as a Variant of Uncertain Significance.

Ambry Genetics
Classification: Uncertain significance for Familial thoracic aortic aneurysm and aortic dissection. Last evaluated: 2024-12-13. Review status: criteria provided, single submitter. Criteria: Ambry Variant Classification Scheme 2023. Collection method: clinical testing. Allele origin: germline.
Comment: The p.G1114A variant (also known as c.3341G>C), located in coding exon 42 of the COL5A1 gene, results from a G to C substitution at nucleotide position 3341. The glycine at codon 1114 is replaced by alanine, an amino acid with similar properties. Internal structural analysis indicates that this alteration disrupts the characteristic G-X-Y motif of the triple helical domain in the COL5A1 protein and inserts a bulky side chain into a sterically-constrained region (Bella J et al. Science. 1994;266:75-81; Hohenester E et al. Proc. Natl. Acad. Sci. U.S.A. 2008;105:18273-7; Ambry internal data). Glycine substitutions in the triple helical domain of COL5A1 have been reported in association with classic Ehlers-Danlos syndrome (cEDS), but the number of affected individuals is limited and several other COL5A1 glycine substitutions in the triple helical domain (e.g., p.G1078A and p.G1414A) are too common for disease in population databases (Symoens S et al. Hum. Mutat., 2012 Oct;33:1485-93; Ritelli M et al. Orphanet J Rare Dis. 2013 Apr;8:58). This amino acid position is highly conserved in available vertebrate species. In addition, this alteration is predicted to be deleterious by in silico analysis. Since supporting evidence is limited at this time, the clinical significance of this alteration remains unclear.

Literature cited by the submitters: PubMed 7695699 (cited by Labcorp Genetics (formerly Invitae), Labcorp); PubMed 8218237 (cited by Labcorp Genetics (formerly Invitae), Labcorp); PubMed 19344236 (cited by Labcorp Genetics (formerly Invitae), Labcorp); PubMed 22696272 (cited by Labcorp Genetics (formerly Invitae), Labcorp and Ambry Genetics); PubMed 23587214 (cited by Labcorp Genetics (formerly Invitae), Labcorp).

NM_000093.5(COL5A1):c.3341G>C (p.Gly1114Ala)

Gene: COL5A1 (collagen type V alpha 1 chain; plus strand). Cytogenetic location: 9q34.3.
Variant type: single nucleotide variant.
Coding change: c.3341G>C on transcript NM_000093.5 (MANE Select); coding-DNA position 3341, G replaced by C.
Protein change: p.Gly1114Ala; replaces glycine 1114 with alanine.
Molecular consequence: missense variant.
Genome position (GRCh38, 1-based): chr9:134,806,271, G>C. VCF-style: chr9-134806271-G-C. GRCh37 (hg19) VCF-style: chr9-137698117-G-C.
Other names: c.3341G>C, p.Gly1114Ala (NM_001278074.1); short protein forms G1114A.
Identifiers: ClinVar variation 426186 (VCV000426186.15), dbSNP rs926426117, ClinGen allele CA201081949.